The following is an entry in ClinVar:

ClinVar aggregate classification (germline): Uncertain significance (1 of 4 stars; one submission).

Conditions:
Duchenne muscular dystrophy (DMD). Also called: MUSCULAR DYSTROPHY, PSEUDOHYPERTROPHIC PROGRESSIVE, DUCHENNE TYPE; Duchenne Muscular Dystrophy (DMD). Identifiers: Orphanet 98896, MedGen C0013264, MONDO:0010679, OMIM 310200.

Submission:

Labcorp Genetics (formerly Invitae), Labcorp
Classification: Uncertain significance for Duchenne muscular dystrophy. Last evaluated: 2021-03-05. Review status: criteria provided, single submitter. Criteria: Invitae Variant Classification Sherloc (09022015). Collection method: clinical testing. Allele origin: germline.
Comment: This sequence change replaces leucine with serine at codon 1271 of the DMD protein (p.Leu1271Ser). The leucine residue is highly conserved and there is a large physicochemical difference between leucine and serine. This variant is not present in population databases (ExAC no frequency). This variant has not been reported in the literature in individuals with DMD-related conditions. Algorithms developed to predict the effect of missense changes on protein structure and function (SIFT, PolyPhen-2, Align-GVGD) all suggest that this variant is likely to be disruptive, but these predictions have not been confirmed by published functional studies and their clinical significance is uncertain. In summary, the available evidence is currently insufficient to determine the role of this variant in disease. Therefore, it has been classified as a Variant of Uncertain Significance.

NM_004006.3(DMD):c.3812T>C (p.Leu1271Ser)

Gene: DMD (dystrophin; minus strand). Cytogenetic location: Xp21.1.
Variant type: single nucleotide variant.
Coding change: c.3812T>C on transcript NM_004006.3 (MANE Select); coding-DNA position 3812, T replaced by C.
Protein change: p.Leu1271Ser; replaces leucine 1271 with serine.
Molecular consequence: missense variant.
Genome position (GRCh38, 1-based): chrX:32,441,289, A>G on the plus strand (T>C on the coding strand, the complement: DMD is on the minus strand). VCF-style: chrX-32441289-A-G. GRCh37 (hg19) VCF-style: chrX-32459406-A-G.
Other names: c.3788T>C, p.Leu1263Ser (NM_000109.4); c.3800T>C, p.Leu1267Ser (NM_004009.3); c.3443T>C, p.Leu1148Ser (NM_004010.3); short protein forms L1263S, L1271S, L1148S, L1267S.
Identifiers: ClinVar variation 1405088 (VCV001405088.8), dbSNP rs2148222634, ClinGen allele CA412670555.